The following is an entry in ClinVar:

NM_001267550.2(TTN):c.101882G>A (p.Gly33961Asp)

Genes: TTN-AS1 (TTN antisense RNA 1; plus strand), TTN (titin; minus strand). Cytogenetic location: 2q31.2.
Variant type: single nucleotide variant.
Coding change: c.101882G>A on transcript NM_001267550.2 (MANE Select); coding-DNA position 101882, G replaced by A.
Protein change: p.Gly33961Asp; replaces glycine 33961 with aspartic acid.
Molecular consequence: missense variant.
Genome position (GRCh38, 1-based): chr2:178,534,733, C>T on the plus strand (G>A on the coding strand, the complement: TTN is on the minus strand). VCF-style: chr2-178534733-C-T. GRCh37 (hg19) VCF-style: chr2-179399460-C-T.
Other names: c.96959G>A, p.Gly32320Asp (NM_001256850.1); c.74687G>A, p.Gly24896Asp (NM_003319.4); c.94178G>A, p.Gly31393Asp (NM_133378.4); c.75062G>A, p.Gly25021Asp (NM_133432.3); c.75263G>A, p.Gly25088Asp (NM_133437.4); short protein forms G24896D, G25021D, G25088D, G31393D, G32320D, G33961D.
Identifiers: ClinVar variation 3762472 (VCV003762472.2).

ClinVar aggregate classification (germline): Uncertain significance (1 of 4 stars; one submission).

Conditions:
Autosomal recessive limb-girdle muscular dystrophy type 2J (LGMDR10). Also called: Limb-girdle muscular dystrophy, type 2J; MUSCULAR DYSTROPHY, LIMB-GIRDLE, AUTOSOMAL RECESSIVE 10. Identifiers: Orphanet 140922, MedGen C1837342, MONDO:0012127, OMIM 608807.
Dilated cardiomyopathy 1G (CMD1G). Identifiers: Orphanet 154, MedGen C1858763, MONDO:0011400, OMIM 604145.

Submission:

Labcorp Genetics (formerly Invitae), Labcorp
Classification: Uncertain significance for Dilated cardiomyopathy 1G; Autosomal recessive limb-girdle muscular dystrophy type 2J. Last evaluated: 2024-10-17. Review status: criteria provided, single submitter. Criteria: Invitae Variant Classification Sherloc (09022015). Collection method: clinical testing. Allele origin: germline.
Comment: This sequence change replaces glycine, which is neutral and non-polar, with aspartic acid, which is acidic and polar, at codon 33961 of the TTN protein (p.Gly33961Asp). This variant is not present in population databases (gnomAD no frequency). This variant has not been reported in the literature in individuals affected with TTN-related conditions. Experimental studies and prediction algorithms are not available or were not evaluated, and the functional significance of this variant is currently unknown. This variant is located in the M band of TTN (PMID: 25589632). Non-truncating variants in this region may be relevant for neuromuscular disorders, but have not been definitively shown to cause cardiomyopathy (PMID: 23975875). In summary, the available evidence is currently insufficient to determine the role of this variant in disease. Therefore, it has been classified as a Variant of Uncertain Significance.

Literature cited by the submitters: PubMed 25589632; PubMed 23975875.